The following is an entry in ClinVar:

ClinVar aggregate classification (germline): Uncertain significance (1 of 4 stars; one submission).

Submission:

Labcorp Genetics (formerly Invitae), Labcorp
Classification: Uncertain significance. Last evaluated: 2022-03-14. Review status: criteria provided, single submitter. Criteria: Invitae Variant Classification Sherloc (09022015). Collection method: clinical testing. Allele origin: germline.
Comment: This variant has not been reported in the literature in individuals affected with BACH2-related conditions. This variant is not present in population databases (gnomAD no frequency). This sequence change replaces glycine, which is neutral and non-polar, with alanine, which is neutral and non-polar, at codon 273 of the BACH2 protein (p.Gly273Ala). Algorithms developed to predict the effect of missense changes on protein structure and function (SIFT, PolyPhen-2, Align-GVGD) all suggest that this variant is likely to be tolerated. In summary, the available evidence is currently insufficient to determine the role of this variant in disease. Therefore, it has been classified as a Variant of Uncertain Significance.

NM_021813.4(BACH2):c.818G>C (p.Gly273Ala)

Gene: BACH2 (BACH transcriptional regulator 2; minus strand). Cytogenetic location: 6q15.
Variant type: single nucleotide variant.
Coding change: c.818G>C on transcript NM_021813.4 (MANE Select); coding-DNA position 818, G replaced by C.
Protein change: p.Gly273Ala; replaces glycine 273 with alanine.
Molecular consequence: missense variant.
Genome position (GRCh38, 1-based): chr6:89,951,288, C>G on the plus strand (G>C on the coding strand, the complement: BACH2 is on the minus strand). VCF-style: chr6-89951288-C-G. GRCh37 (hg19) VCF-style: chr6-90661007-C-G.
Other names: c.818G>C, p.Gly273Ala (NM_001170794.2); short protein forms G273A.
Identifiers: ClinVar variation 2111901 (VCV002111901.4), dbSNP rs1389251595, ClinGen allele CA365072166.